The following is an entry in ClinVar:

NM_001003800.2(BICD2):c.1582G>A (p.Val528Met)

Gene: BICD2 (BICD cargo adaptor 2; minus strand). Cytogenetic location: 9q22.31.
Variant type: single nucleotide variant.
Coding change: c.1582G>A on transcript NM_001003800.2 (MANE Select); coding-DNA position 1582, G replaced by A.
Protein change: p.Val528Met; replaces valine 528 with methionine.
Molecular consequence: missense variant.
Genome position (GRCh38, 1-based): chr9:92,719,063, C>T on the plus strand (G>A on the coding strand, the complement: BICD2 is on the minus strand). VCF-style: chr9-92719063-C-T. GRCh37 (hg19) VCF-style: chr9-95481345-C-T.
Other names: c.1582G>A, p.Val528Met (NM_015250.4); short protein forms V528M.
Identifiers: ClinVar variation 570088 (VCV000570088.10), dbSNP rs908773556, ClinGen allele CA196340528.

ClinVar aggregate classification (germline): Uncertain significance. Review status: criteria provided, multiple submitters, no conflicts (2 of 4 stars). 2 submissions from 2 submitters: Uncertain significance (2). Last evaluated 2024-11-12.

Conditions:
Inborn genetic diseases. Identifiers: MedGen C0950123, MeSH D030342.
Autosomal dominant childhood-onset proximal spinal muscular atrophy with contractures (SMALED2A). Also called: SPINAL MUSCULAR ATROPHY, LOWER EXTREMITY-PREDOMINANT, 2A, CHILDHOOD ONSET, AUTOSOMAL DOMINANT; Spinal muscular atrophy, lower extremity-predominant, 2A, autosomal dominant. Identifiers: Orphanet 363447, Orphanet 363454, MedGen C4747715, MONDO:0014121, OMIM 615290.

Allele frequency attached by ClinVar (database versions not stated): gnomAD 0.00001; TOPMed 0.00001.
gnomAD v4.1: 5 of 1,612,986 alleles (0.00031%); highest among the groups gnomAD compares: Non-Finnish European, 0.00042%; no homozygotes.

Submissions (2):

Ambry Genetics
Classification: Uncertain significance for Inborn genetic diseases. Last evaluated: 2024-11-12. Review status: criteria provided, single submitter. Criteria: Ambry Variant Classification Scheme 2023. Collection method: clinical testing. Allele origin: germline.

Labcorp Genetics (formerly Invitae), Labcorp
Classification: Uncertain significance for Autosomal dominant childhood-onset proximal spinal muscular atrophy with contractures. Last evaluated: 2020-11-21. Review status: criteria provided, single submitter. Criteria: Invitae Variant Classification Sherloc (09022015). Collection method: clinical testing. Allele origin: germline.
Comment: This variant has not been reported in the literature in individuals with BICD2-related disease. In summary, the available evidence is currently insufficient to determine the role of this variant in disease. Therefore, it has been classified as a Variant of Uncertain Significance. Algorithms developed to predict the effect of missense changes on protein structure and function do not agree on the potential impact of this missense change (SIFT: "Tolerated"; PolyPhen-2: "Possibly Damaging"; Align-GVGD: "Class C0"). This variant is not present in population databases (ExAC no frequency). This sequence change replaces valine with methionine at codon 528 of the BICD2 protein (p.Val528Met). The valine residue is moderately conserved and there is a small physicochemical difference between valine and methionine.